The following is an entry in ClinVar:

NM_000143.4(FH):c.1482del (p.Glu495fs)

Gene: FH (fumarate hydratase; minus strand). Cytogenetic location: 1q43.
Variant type: Deletion.
Coding change: c.1482del on transcript NM_000143.4 (MANE Select); coding-DNA position 1482, one base deleted (A; older notation c.1482delA).
Protein change: p.Glu495fs; shifts the reading frame from glutamic acid 495.
Molecular consequence: frameshift variant.
Genome position (GRCh38, 1-based): chr1:241,497,879, T deleted on the plus strand (A on the coding strand, the reverse complement: FH is on the minus strand). VCF-style (leftmost placement, unchanged base first): chr1-241497878-CT-C. GRCh37 (hg19) VCF-style: chr1-241661178-CT-C.
Other names: short protein forms E495fs.
Identifiers: ClinVar variation 1773599 (VCV001773599.2), dbSNP rs2527308386, ClinGen allele CA2580063439.

ClinVar aggregate classification (germline): Pathogenic (1 of 4 stars; one submission).

Conditions:
Hereditary cancer-predisposing syndrome. Also called: Hereditary Cancer Syndrome; Hereditary neoplastic syndrome; Neoplastic Syndromes, Hereditary; Tumor predisposition. Identifiers: Orphanet 140162, MedGen C0027672, MeSH D009386, MONDO:0015356.

Submission:

Ambry Genetics
Classification: Pathogenic for Hereditary cancer-predisposing syndrome. Last evaluated: 2022-06-18. Review status: criteria provided, single submitter. Criteria: Ambry Variant Classification Scheme 2023. Collection method: clinical testing. Allele origin: germline.
Comment: The c.1482delA pathogenic mutation, located in coding exon 10 of the FH gene, results from a deletion of one nucleotide at nucleotide position 1482, causing a translational frameshift with a predicted alternate stop codon (p.E495Sfs*7). This alteration occurs at the 3' terminus of theFH gene, is not expected to trigger nonsense-mediated mRNA decay, and only impacts the last 16 amino acids of the protein. However, premature stop codons are typically deleterious in nature and the impacted region is critical for protein function (Ambry internal data). This variant is also considered to be rare based on population cohorts in the Genome Aggregation Database (gnomAD). Based on the supporting evidence, this alteration is interpreted as a disease-causing mutation.